The following is an entry in ClinVar:

NM_000545.8(HNF1A):c.1624-29G>A

Gene: HNF1A (HNF1 homeobox A; plus strand). Cytogenetic location: 12q24.31.
Variant type: single nucleotide variant.
Coding change: c.1624-29G>A on transcript NM_000545.8 (MANE Select); 29 bases into the intron before coding-DNA position 1624, G replaced by A.
Molecular consequence: intron variant.
Genome position (GRCh38, 1-based): chr12:120,999,454, G>A. VCF-style: chr12-120999454-G-A. GRCh37 (hg19) VCF-style: chr12-121437257-G-A.
Other names: c.1624-8G>A (NM_001306179.2).
Identifiers: ClinVar variation 135507 (VCV000135507.9), dbSNP rs532689884, ClinGen allele CA162962.

ClinVar aggregate classification (germline): Benign/Likely benign. Review status: criteria provided, multiple submitters, no conflicts (2 of 4 stars). 3 submissions from 3 submitters: Benign (1); Likely benign (1). 1 of the submissions does not count toward it. Last evaluated 2025-03-01.

Conditions:
Maturity-onset diabetes of the young (MODY). Also called: Maturity onset diabetes mellitus in young. Identifiers: Orphanet 552, MedGen C0342276, MONDO:0018911, HP:0004904.

Allele frequency attached by ClinVar (database versions not stated): 1000 Genomes Project 30x 0.00016; 1000 Genomes Project 0.00020; gnomAD exomes 0.00006 and 0.00007; ExAC 0.00008; gnomAD 0.00005 and 0.00006; TOPMed 0.00005.
gnomAD v4.1: 90 of 1,613,672 alleles (0.0056%); highest among the groups gnomAD compares: Middle Eastern, 0.033%; no homozygotes.

Submissions (3):

CeGaT Center for Human Genetics Tuebingen
Classification: Likely benign. Last evaluated: 2025-03-01. Review status: criteria provided, single submitter. Criteria: CeGaT Center For Human Genetics Tuebingen Variant Classification Criteria Version 2. Collection method: clinical testing. Allele origin: germline. Affected: yes. Observed: 1 variant allele.
Comment: HNF1A: BS2

Clinical Genomics, Uppaluri K&H Personalized Medicine Clinic
Classification: Benign for Maturity-onset diabetes of the young. Review status: criteria provided, single submitter. Criteria: K & H Uppaluri Personalized Medicine Clinic Variant Classification & Assertion Criteria_Updated V.1. Collection method: research. Allele origin: unknown. Inheritance: Autosomal dominant inheritance.
Comment: Mutations in HNF1A gene can predispose to MODY3. It is associated with both micro and macrovascular complications of diabetes, especially cardiovascular complications. Associated with glucosuria. May respond well to sulfonylureas. However, more evidence is required to confer the association of this particular variant rs532689884 with MODY3.

ITMI
No classification provided. Condition: AllHighlyPenetrant. Last evaluated: 2013-09-19. Review status: no classification provided. Collection method: reference population. Allele origin: germline. Not counted in ClinVar's aggregate classification.
Comment: Please see associated publication for description of ethnicities

Literature cited by the submitters: PubMed 31517624 (cited by Clinical Genomics, Uppaluri K&H Personalized Medicine Clinic); PubMed 32395877 (cited by Clinical Genomics, Uppaluri K&H Personalized Medicine Clinic); PubMed 35328643 (cited by Clinical Genomics, Uppaluri K&H Personalized Medicine Clinic); PubMed 35673428 (cited by Clinical Genomics, Uppaluri K&H Personalized Medicine Clinic); PubMed 24728327 (cited by ITMI).